The following is an entry in ClinVar:

ClinVar aggregate classification (germline): Likely benign (0 of 4 stars; one submission).

Conditions:
GON4L-related disorder. Also called: GON4L-related condition.

Allele frequency attached by ClinVar (database versions not stated): gnomAD exomes below 0.00001; gnomAD 0.00001; TOPMed 0.00002.
gnomAD v4.1: 4 of 1,613,338 alleles (0.00025%); highest among the groups gnomAD compares: African/African-American, 0.0053%; no homozygotes.

Submission:

PreventionGenetics, part of Exact Sciences
Classification: Likely benign for GON4L-related condition. Last evaluated: 2021-05-19. Review status: no assertion criteria provided. Collection method: clinical testing. Allele origin: germline.
Comment: This variant is classified as likely benign based on ACMG/AMP sequence variant interpretation guidelines (Richards et al. 2015 PMID: 25741868, with internal and published modifications).

NM_001282860.2(GON4L):c.6285T>C (p.His2095=)

Gene: GON4L (gon-4 like; minus strand). Cytogenetic location: 1q22.
Variant type: single nucleotide variant.
Coding change: c.6285T>C on transcript NM_001282860.2 (MANE Select); coding-DNA position 6285, T replaced by C.
Protein change: p.His2095=; no amino-acid change (histidine 2095 retained).
Molecular consequence: synonymous variant.
Genome position (GRCh38, 1-based): chr1:155,752,148, A>G on the plus strand (T>C on the coding strand, the complement: GON4L is on the minus strand). VCF-style: chr1-155752148-A-G. GRCh37 (hg19) VCF-style: chr1-155721939-A-G.
Other names: c.6285T>C, p.His2095= (NM_001282856.2); c.6282T>C, p.His2094= (NM_001282858.2).
Identifiers: ClinVar variation 3029307 (VCV003029307.2), dbSNP rs1219408000, ClinGen allele CA421253011.
Genomic context (GRCh38, chr1:155,752,148, plus strand): 5'-CAAACCCCCTCTAGGGGCTTTGGGAGAAGTCTCTGAGGTGTCAATTCCTGATGGAGATTC[A>G]TGGACAGGGCACGTCCTGTCTCTTGTCTTCACCCGAGCTCTGCTTGAGGGCAGCCATCTC-3'
Protein context (NP_001269789.1, residues 2085-2105): VKTRDRTCPV[His2095=]ESPSGIDTSE